The following is an entry in ClinVar:

ClinVar aggregate classification (germline): Uncertain significance. Review status: criteria provided, multiple submitters, no conflicts (2 of 4 stars). 4 submissions from 4 submitters: Uncertain significance (4). Last evaluated 2025-10-12.

Conditions:
Inborn genetic diseases. Identifiers: MedGen C0950123, MeSH D030342.
LAMA2-related muscular dystrophy (LAMA2-RD). Also called: Laminin alpha 2-related dystrophy. Identifiers: MedGen C5679788, MONDO:0100228.

Allele frequency attached by ClinVar (database versions not stated): gnomAD exomes below 0.00001 and 0.00001; ExAC 0.00001; gnomAD 0.00003; TOPMed 0.00003.
gnomAD v4.1: 12 of 1,614,002 alleles (0.00074%); highest among the groups gnomAD compares: Non-Finnish European, 0.00093%; no homozygotes.

Submissions (4):

Mayo Clinic Laboratories, Mayo Clinic
Classification: Uncertain significance. Last evaluated: 2025-10-12. Review status: criteria provided, single submitter. Criteria: ACMG Guidelines, 2015. Collection method: clinical testing. Allele origin: germline. Observed: 1 variant allele.
Comment: PP3, PM2_supporting

Labcorp Genetics (formerly Invitae), Labcorp
Classification: Uncertain significance for LAMA2-related muscular dystrophy. Last evaluated: 2024-02-26. Review status: criteria provided, single submitter. Criteria: Invitae Variant Classification Sherloc (09022015). Collection method: clinical testing. Allele origin: germline.
Comment: This sequence change replaces aspartic acid, which is acidic and polar, with valine, which is neutral and non-polar, at codon 173 of the LAMA2 protein (p.Asp173Val). This variant is present in population databases (rs767671585, gnomAD 0.004%). This variant has not been reported in the literature in individuals affected with LAMA2-related conditions. ClinVar contains an entry for this variant (Variation ID: 429283). Advanced modeling of protein sequence and biophysical properties (such as structural, functional, and spatial information, amino acid conservation, physicochemical variation, residue mobility, and thermodynamic stability) performed at Invitae indicates that this missense variant is not expected to disrupt LAMA2 protein function with a negative predictive value of 95%. In summary, the available evidence is currently insufficient to determine the role of this variant in disease. Therefore, it has been classified as a Variant of Uncertain Significance.

Ambry Genetics
Classification: Uncertain significance for Inborn genetic diseases. Last evaluated: 2023-01-26. Review status: criteria provided, single submitter. Criteria: Ambry Variant Classification Scheme 2023. Collection method: clinical testing. Allele origin: germline.

GeneDx
Classification: Uncertain significance. Last evaluated: 2017-04-28. Review status: criteria provided, single submitter. Criteria: GeneDx Variant Classification (06012015). Collection method: clinical testing. Allele origin: germline. Affected: yes.
Comment: A variant of uncertain significance has been identified in the LAMA2 gene. The D173V variant has not been published as a pathogenic variant, nor has it been reported as a benign variant to our knowledge. The D173V variant is not observed at a significant frequency in large population cohorts (Lek et al., 2016; 1000 Genomes Consortium et al., 2015; Exome Variant Server). The D173V variant is a non-conservative amino acid substitution, which is likely to impact secondary protein structure as these residues differ in polarity, charge, size and/or other properties. This substitution occurs at a position that is conserved across species and in silico analysis predicts this variant is probably damaging to the protein structure/function. Based on the currently available information, it is unclear whether this variant is a pathogenic variant or a rare benign variant.

NM_000426.4(LAMA2):c.518A>T (p.Asp173Val)

Gene: LAMA2 (laminin subunit alpha 2; plus strand). Cytogenetic location: 6q22.33.
Variant type: single nucleotide variant.
Coding change: c.518A>T on transcript NM_000426.4 (MANE Select); coding-DNA position 518, A replaced by T.
Protein change: p.Asp173Val; replaces aspartic acid 173 with valine.
Molecular consequence: missense variant.
Genome position (GRCh38, 1-based): chr6:129,098,294, A>T. VCF-style: chr6-129098294-A-T. GRCh37 (hg19) VCF-style: chr6-129419439-A-T.
Other names: p.Asp173Val; c.518A>T, p.Asp173Val (NM_001079823.2); short protein forms D173V.
Identifiers: ClinVar variation 429283 (VCV000429283.13), dbSNP rs767671585, ClinGen allele CA3992356.